The following is an entry in ClinVar:

ClinVar aggregate classification (germline): Conflicting classifications of pathogenicity. Review status: criteria provided, conflicting classifications (1 of 4 stars). 2 submissions from 2 submitters: Uncertain significance (1); Likely benign (1). Last evaluated 2026-01-12.

Conditions:
Cardiovascular phenotype. Identifiers: MedGen CN230736.
Long QT syndrome (LQTS). Identifiers: MedGen C0023976, MeSH D008133, MONDO:0002442. Disease mechanism: loss of function. Inheritance: Various modes of inheritance.

Allele frequency attached by ClinVar (database versions not stated): TOPMed 0.00002; gnomAD 0.00003 and 0.00004.
gnomAD v4.1: 5 of 1,613,926 alleles (0.00031%); highest among the groups gnomAD compares: African/African-American, 0.0067%; no homozygotes.

Submissions (2):

Labcorp Genetics (formerly Invitae), Labcorp
Classification: Uncertain significance for Long QT syndrome. Last evaluated: 2026-01-12. Review status: criteria provided, single submitter. Criteria: Invitae Variant Classification Sherloc (09022015). Collection method: clinical testing. Allele origin: germline.
Comment: This sequence change replaces serine, which is neutral and polar, with cysteine, which is neutral and slightly polar, at codon 2739 of the ANK2 protein (p.Ser2739Cys). This variant is present in population databases (no rsID available, gnomAD 0.01%). This missense change has been observed in individual(s) with sudden unexplained death (PMID: 29247119). ClinVar contains an entry for this variant (Variation ID: 1404670). An algorithm developed to predict the effect of missense changes on protein structure and function outputs the following: PolyPhen-2: "Benign". The cysteine amino acid residue is found in multiple mammalian species, which suggests that this missense change does not adversely affect protein function. In summary, the available evidence is currently insufficient to determine the role of this variant in disease. Therefore, it has been classified as a Variant of Uncertain Significance.

Ambry Genetics
Classification: Likely benign for Cardiovascular phenotype. Last evaluated: 2018-08-08. Review status: criteria provided, single submitter. Criteria: Ambry Variant Classification Scheme 2023. Collection method: clinical testing. Allele origin: germline.

Literature cited by the submitters: PubMed 29247119 (cited by Labcorp Genetics (formerly Invitae), Labcorp).

NM_001148.6(ANK2):c.8216C>G (p.Ser2739Cys)

Gene: ANK2 (ankyrin 2; plus strand). Cytogenetic location: 4q26.
Variant type: single nucleotide variant.
Coding change: c.8216C>G on transcript NM_001148.6 (MANE Select); coding-DNA position 8216, C replaced by G.
Protein change: p.Ser2739Cys; replaces serine 2739 with cysteine.
Molecular consequence: missense variant. On other transcripts: intron variant (68).
Genome position (GRCh38, 1-based): chr4:113,356,834, C>G. VCF-style: chr4-113356834-C-G. GRCh37 (hg19) VCF-style: chr4-114277990-C-G.
Other names: c.7982C>G, p.Ser2661Cys (NM_001386142.1); c.4616C>G, p.Ser1539Cys (NM_001386166.1); c.8357C>G, p.Ser2786Cys (NM_001386174.1); c.8333C>G, p.Ser2778Cys (NM_001386175.1); c.4412-3989C>G (NM_001386186.2, NM_001386148.2); c.4214-3989C>G (NM_001354269.3); c.4292-3989C>G (NM_001386187.2); c.4253-3989C>G (NM_001386147.1); and 35 more; short protein forms S2661C, S2778C, S2786C, S1539C, S2739C.
Identifiers: ClinVar variation 1404670 (VCV001404670.8), dbSNP rs1389133986, ClinGen allele CA357933492.
Genomic context (GRCh38, chr4:113,356,834, plus strand): 5'-CTTTCAAGATGAATGAAGATACTCAGGAAGAGCCAGGCAAATCAGAAGAAGAAAAAGATT[C>G]TGAATCCCATTTAGCTGAAGACCGTCATGCTGTTTCCACTGAGGCTGAAGACAGGTCTTA-3'
Protein context (NP_001139.3, residues 2729-2749): EPGKSEEEKD[Ser2739Cys]ESHLAEDRHA